The following is an entry in ClinVar:

ClinVar aggregate classification (germline): Uncertain significance (1 of 4 stars; one submission).

Conditions:
Ehlers-Danlos syndrome due to tenascin-X deficiency (EDSCLL1). Also called: EHLERS-DANLOS SYNDROME, CLASSIC-LIKE; Ehlers-Danlos syndrome, classic-like, 1; TNX DEFICIENCY; TNXB-Related Classical-Like Ehlers-Danlos Syndrome; EDS DUE TO TNX DEFICIENCY. Identifiers: Orphanet 230839, MedGen C1848029, MONDO:0011670, OMIM 606408.
Vesicoureteral reflux 8 (VUR8). Identifiers: Orphanet 289365, MedGen C4014831, MONDO:0014422, OMIM 615963.

Submission:

Juno Genomics, Hangzhou Juno Genomics, Inc
Classification: Uncertain significance for Ehlers-Danlos syndrome due to tenascin-X deficiency; Vesicoureteral reflux 8. Review status: criteria provided, single submitter. Criteria: ACMG Guidelines, 2015. Collection method: clinical testing. Allele origin: germline.
Comment: Absent from controls (or at extremely low frequency if recessive) in Genome Aggregation Database.

NM_001365276.2(TNXB):c.4214A>G (p.Gln1405Arg)

Gene: TNXB (tenascin XB; minus strand). Cytogenetic location: 6p21.33.
Variant type: single nucleotide variant.
Coding change: c.4214A>G on transcript NM_001365276.2 (MANE Select); coding-DNA position 4214, A replaced by G.
Protein change: p.Gln1405Arg; replaces glutamine 1405 with arginine.
Molecular consequence: missense variant.
Genome position (GRCh38, 1-based): chr6:32,079,194, T>C on the plus strand (A>G on the coding strand, the complement: TNXB is on the minus strand). VCF-style: chr6-32079194-T-C. GRCh37 (hg19) VCF-style: chr6-32046971-T-C.
Other names: c.4955A>G, p.Gln1652Arg (NM_001428335.1); c.4214A>G, p.Gln1405Arg (NM_019105.8); short protein forms Q1652R, Q1405R.
Identifiers: ClinVar variation 5007028 (VCV005007028.2).